The following is an entry in ClinVar:

ClinVar aggregate classification (germline): Benign/Likely benign; other. Review status: criteria provided, multiple submitters, no conflicts (2 of 4 stars). 13 submissions from 13 submitters: Benign (3); Likely benign (3). 5 of the submissions do not count toward it. Last evaluated 2026-08-01.

Conditions:
Tyrosinemia type I (TYRSN1). Also called: Tyrosinemia type 1; Fumarylacetoacetase deficiency; Deficiency of fumarylacetoacetase; HEPATORENAL TYROSINEMIA; FAH DEFICIENCY. Identifiers: Orphanet 882, MedGen C0268490, MONDO:0010161, OMIM 276700. Disease mechanism: loss of function.
Fumarylacetoacetase pseudodeficiency. Identifiers: MedGen C4017342.

Allele frequency attached by ClinVar (database versions not stated): 1000 Genomes Project 0.00799; 1000 Genomes Project 30x 0.00890; TOPMed 0.01337; ExAC 0.01681; gnomAD 0.02131; gnomAD exomes 0.01656.

Submissions (13):

CeGaT Center for Human Genetics Tuebingen
Classification: Benign. Last evaluated: 2026-08-01. Review status: criteria provided, single submitter. Criteria: CeGaT Center For Human Genetics Tuebingen Variant Classification Criteria Version 2. Collection method: clinical testing. Allele origin: germline. Affected: yes. Observed: 29 variant alleles.
Comment: FAH: BS1, BS2

Genome-Nilou Lab
Classification: Likely benign for Tyrosinemia type I. Last evaluated: 2021-05-18. Review status: criteria provided, single submitter. Criteria: ACMG Guidelines, 2015. Collection method: clinical testing. Allele origin: germline. Affected: no.

Mendelics
Classification: Benign for Tyrosinemia type I. Last evaluated: 2019-05-28. Review status: criteria provided, single submitter. Criteria: Mendelics Assertion Criteria 2017. Collection method: clinical testing. Allele origin: unknown.

Labcorp Genetics (formerly Invitae), Labcorp
Classification: other for Tyrosinemia type I. Last evaluated: 2018-12-26. Review status: criteria provided, single submitter. Criteria: Invitae Variant Classification Sherloc (09022015). Collection method: clinical testing. Allele origin: germline.

Eurofins Ntd Llc (ga)
Classification: other. Last evaluated: 2018-07-30. Review status: criteria provided, single submitter. Criteria: EGL ClinVar v180209 classification definitions. Collection method: clinical testing. Allele origin: germline. Observed: 99 variant alleles, 98 heterozygotes, 1 homozygote.

GeneDx
Classification: Benign. Last evaluated: 2018-01-04. Review status: criteria provided, single submitter. Criteria: GeneDx Variant Classification Process June 2021. Collection method: clinical testing. Allele origin: germline. Affected: yes.
Comment: This variant is associated with the following publications: (PMID: 29326876, 27153395, 27535533, 25087612, 25333069, 21228398, 7977370, 11278491)

Illumina Laboratory Services, Illumina
Classification: Likely benign for Tyrosinemia type I. Last evaluated: 2017-04-27. Review status: criteria provided, single submitter. Criteria: ICSL Variant Classification Criteria 13 December 2019. Collection method: clinical testing. Allele origin: germline.
Comment: This variant was observed as part of a predisposition screen in an ostensibly healthy population. A literature search was performed for the gene, cDNA change, and amino acid change (where applicable). Publications were found based on this search. The evidence from the literature, in combination with allele frequency data from public databases where available, was sufficient to determine this variant is unlikely to cause disease. Therefore, this variant is classified as likely benign.

Breakthrough Genomics
Classification: Likely benign. Review status: criteria provided, single submitter. Criteria: ACMG Guidelines, 2015. Collection method: not provided. Allele origin: germline. Inheritance: Autosomal recessive inheritance. Affected: yes.

OMIM
Classification: Pathogenic for FUMARYLACETOACETASE PSEUDODEFICIENCY. Last evaluated: 1994-12-01. Review status: no assertion criteria provided. Collection method: literature only. Allele origin: germline. Not counted in ClinVar's aggregate classification.

Diagnostic Laboratory, Department of Genetics, University Medical Center Groningen
Classification: Likely benign. Review status: no assertion criteria provided. Collection method: clinical testing. Allele origin: germline. Affected: yes. Study: VKGL Data-share Consensus. Not counted in ClinVar's aggregate classification.

GeneReviews
No classification provided. Condition: Tyrosinemia type I. Review status: no classification provided. Collection method: literature only. Allele origin: germline. Not counted in ClinVar's aggregate classification.
Comment: A single pseudodeficiency allele, c.1021C>T (p.Arg341Trp), leads to decreased FAH enzyme activity and very little immunoreactive protein, but adequate amounts of FAH mRNA [Rootwelt et al 1994].

Genome Diagnostics Laboratory, Amsterdam University Medical Center
Classification: Likely benign. Review status: no assertion criteria provided. Collection method: clinical testing. Allele origin: germline. Affected: yes. Study: VKGL Data-share Consensus. Not counted in ClinVar's aggregate classification.

Genome Diagnostics Laboratory, University Medical Center Utrecht
Classification: Benign. Review status: no assertion criteria provided. Collection method: clinical testing. Allele origin: germline. Affected: yes. Study: VKGL Data-share Consensus. Not counted in ClinVar's aggregate classification.

Literature cited by the submitters: PubMed 7977370 (cited by 3 submitters); NCBI Bookshelf NBK1515 (cited by GeneReviews); PubMed 20301688 (cited by GeneReviews).

NM_000137.4(FAH):c.1021C>T (p.Arg341Trp)

Gene: FAH (fumarylacetoacetate hydrolase; plus strand). Cytogenetic location: 15q25.1.
Variant type: single nucleotide variant.
Coding change: c.1021C>T on transcript NM_000137.4 (MANE Select); coding-DNA position 1021, C replaced by T.
Protein change: p.Arg341Trp; replaces arginine 341 with tryptophan.
Molecular consequence: missense variant.
Genome position (GRCh38, 1-based): chr15:80,180,184, C>T. VCF-style: chr15-80180184-C-T. GRCh37 (hg19) VCF-style: chr15-80472526-C-T.
Other names: c.1021C>T, p.Arg341Trp (NM_001374377.1, NM_001374380.1); short protein forms R341W.
Identifiers: ClinVar variation 11868 (VCV000011868.57), dbSNP rs11555096, ClinGen allele CA121722.